The following is an entry in ClinVar:

ClinVar aggregate classification (germline): Benign (1 of 4 stars; one submission).

Allele frequency attached by ClinVar (database versions not stated): TOPMed 0.85556; gnomAD 0.86092; 1000 Genomes Project 30x 0.90147; 1000 Genomes Project 0.90395.
gnomAD v4.1: 1,230,597 of 1,435,988 alleles (86%); highest among the groups gnomAD compares: East Asian, 100%; 528,810 homozygotes.

Submission:

Unidad de Genómica Garrahan, Hospital de Pediatría Garrahan
Classification: Benign. Last evaluated: 2024-01-24. Review status: criteria provided, single submitter. Criteria: ACMG Guidelines, 2015. Collection method: clinical testing. Allele origin: germline. Affected: no. Observed: 93 variant alleles.
Comment: This variant is classified as Benign based on local population frequency. This variant was detected in 98% of patients studied by a panel of primary immunodeficiencies. Number of patients: 93. Only high quality variants are reported.

NM_005337.5(NCKAP1L):c.1095+61G>A

Gene: NCKAP1L (NCK associated protein 1 like; plus strand). Cytogenetic location: 12q13.2.
Variant type: single nucleotide variant.
Coding change: c.1095+61G>A on transcript NM_005337.5 (MANE Select); 61 bases into the intron after coding-DNA position 1095, G replaced by A.
Molecular consequence: intron variant.
Genome position (GRCh38, 1-based): chr12:54,517,053, G>A. VCF-style: chr12-54517053-G-A. GRCh37 (hg19) VCF-style: chr12-54910837-G-A.
Other names: c.945+61G>A (NM_001184976.2).
Identifiers: ClinVar variation 2688222 (VCV002688222.2), dbSNP rs1691630, ClinGen allele CA13668020.